The following is an entry in ClinVar:

ClinVar aggregate classification (germline): Uncertain significance (1 of 4 stars; one submission).

Conditions:
Axenfeld-Rieger syndrome type 3 (RIEG3). Also called: AXENFELD-RIEGER ANOMALY WITH CARDIAC DEFECTS AND/OR SENSORINEURAL HEARING LOSS. Identifiers: Orphanet 782, MedGen C2678503, MONDO:0011233, OMIM 602482.

Submission:

Labcorp Genetics (formerly Invitae), Labcorp
Classification: Uncertain significance for Axenfeld-Rieger syndrome type 3. Last evaluated: 2024-10-27. Review status: criteria provided, single submitter. Criteria: Invitae Variant Classification Sherloc (09022015). Collection method: clinical testing. Allele origin: germline.
Comment: This variant, c.1353_1354insTGC, results in the insertion of 1 amino acid(s) of the FOXC1 protein (p.Gly451_Gly452insCys), but otherwise preserves the integrity of the reading frame. This variant is not present in population databases (gnomAD no frequency). This variant has not been reported in the literature in individuals affected with FOXC1-related conditions. In summary, the available evidence is currently insufficient to determine the role of this variant in disease. Therefore, it has been classified as a Variant of Uncertain Significance.

NM_001453.3(FOXC1):c.1353_1354insTGC (p.Gly451_Gly452insCys)

Gene: FOXC1 (forkhead box C1; plus strand). Cytogenetic location: 6p25.3.
Variant type: Insertion.
Coding change: c.1353_1354insTGC on transcript NM_001453.3 (MANE Select); coding-DNA positions 1353 to 1354, TGC inserted.
Protein change: p.Gly451_Gly452insCys.
Genome position: GRCh38 VCF-style: chr6-1611796-G-GGCT. GRCh37 (hg19) VCF-style: chr6-1612031-G-GGCT.
Identifiers: ClinVar variation 3723889 (VCV003723889.2).